The following is an entry in ClinVar:

NM_003361.4(UMOD):c.89-602C>A

Gene: UMOD (uromodulin; minus strand). Cytogenetic location: 16p12.3.
Variant type: single nucleotide variant.
Coding change: c.89-602C>A on transcript NM_003361.4 (MANE Select); 602 bases into the intron before coding-DNA position 89, C replaced by A.
Molecular consequence: intron variant. On other transcripts: synonymous variant (1).
Genome position (GRCh38, 1-based): chr16:20,349,814, G>T on the plus strand (C>A on the coding strand, the complement: UMOD is on the minus strand). VCF-style: chr16-20349814-G-T. GRCh37 (hg19) VCF-style: chr16-20361136-G-T.
Other names: c.144C>A, p.Gly48= (NM_001278614.2); c.89-602C>A (NM_001008389.3, NM_001378234.1, NM_001378235.1 and 3 more transcripts).
Identifiers: ClinVar variation 3054958 (VCV003054958.2), dbSNP rs74778184, ClinGen allele CA2211944440.

ClinVar aggregate classification (germline): Likely benign (0 of 4 stars; one submission).

Conditions:
UMOD-related disorder. Also called: UMOD-related condition.

gnomAD v4.1: 3 of 1,549,260 alleles (0.00019%); highest among the groups gnomAD compares: Non-Finnish European, 0.00026%; no homozygotes.

Submission:

PreventionGenetics, part of Exact Sciences
Classification: Likely benign for UMOD-related condition. Last evaluated: 2020-04-20. Review status: no assertion criteria provided. Collection method: clinical testing. Allele origin: germline.
Comment: This variant is classified as likely benign based on ACMG/AMP sequence variant interpretation guidelines (Richards et al. 2015 PMID: 25741868, with internal and published modifications).